The following is an entry in ClinVar:

NM_006660.5(CLPX):c.365C>A (p.Thr122Asn)

Gene: CLPX (caseinolytic mitochondrial matrix peptidase chaperone subunit X; minus strand). Cytogenetic location: 15q22.31.
Variant type: single nucleotide variant.
Coding change: c.365C>A on transcript NM_006660.5 (MANE Select); coding-DNA position 365, C replaced by A.
Protein change: p.Thr122Asn; replaces threonine 122 with asparagine.
Molecular consequence: missense variant. On other transcripts: non-coding transcript variant (1).
Genome position (GRCh38, 1-based): chr15:65,166,779, G>T on the plus strand (C>A on the coding strand, the complement: CLPX is on the minus strand). VCF-style: chr15-65166779-G-T. GRCh37 (hg19) VCF-style: chr15-65459117-G-T.
Other names: short protein forms T122N.
Identifiers: ClinVar variation 3605177 (VCV003605177.2).

ClinVar aggregate classification (germline): Uncertain significance (1 of 4 stars; one submission).

gnomAD v4.1: 1 of 1,611,814 alleles (0.000062%); highest among the groups gnomAD compares: South Asian, 0.0011%; no homozygotes.

Submission:

Labcorp Genetics (formerly Invitae), Labcorp
Classification: Uncertain significance. Last evaluated: 2024-10-08. Review status: criteria provided, single submitter. Criteria: Invitae Variant Classification Sherloc (09022015). Collection method: clinical testing. Allele origin: germline.
Comment: This sequence change replaces threonine, which is neutral and polar, with asparagine, which is neutral and polar, at codon 122 of the CLPX protein (p.Thr122Asn). This variant is present in population databases (no rsID available, gnomAD 0.003%). This variant has not been reported in the literature in individuals affected with CLPX-related conditions. Invitae Evidence Modeling of protein sequence and biophysical properties (such as structural, functional, and spatial information, amino acid conservation, physicochemical variation, residue mobility, and thermodynamic stability) indicates that this missense variant is not expected to disrupt CLPX protein function with a negative predictive value of 80%. In summary, the available evidence is currently insufficient to determine the role of this variant in disease. Therefore, it has been classified as a Variant of Uncertain Significance.